The following is an entry in ClinVar:

ClinVar aggregate classification (germline): Likely benign. Review status: criteria provided, multiple submitters, no conflicts (2 of 4 stars). 5 submissions from 4 submitters: Likely benign (2). 3 of the submissions do not count toward it. Last evaluated 2025-12-03.

Conditions:
CEP290-related disorder. Also called: CEP290-related disorders; CEP290-related condition. Identifiers: MedGen CN239314.
Meckel-Gruber syndrome. Also called: GRUBER SYNDROME; DYSENCEPHALIA SPLANCHNOCYSTICA; Dysencephalia splachnocystica. Identifiers: Orphanet 564, MedGen C0265215, MONDO:0018921.
Nephronophthisis. Also called: Juvenile Nephronophthisis. Identifiers: Orphanet 655, MedGen C0687120, MONDO:0019005, HP:0000090.
Joubert syndrome. Also called: JOUBERT-BOLTSHAUSER SYNDROME; Familial aplasia of the vermis. Identifiers: Orphanet 475, MedGen C5979921, MONDO:0018772.

Allele frequency attached by ClinVar (database versions not stated): gnomAD 0.00003 and 0.00004; TOPMed 0.00003; ExAC 0.00005.
gnomAD v4.1: 29 of 1,311,016 alleles (0.0022%); highest among the groups gnomAD compares: Admixed American, 0.006%; no homozygotes.

Submissions (5):

Labcorp Genetics (formerly Invitae), Labcorp
Classification: Likely benign for Joubert syndrome; Meckel-Gruber syndrome; Nephronophthisis. Last evaluated: 2025-12-03. Review status: criteria provided, single submitter. Criteria: Invitae Variant Classification Sherloc (09022015). Collection method: clinical testing. Allele origin: germline.

CeGaT Center for Human Genetics Tuebingen
Classification: Likely benign. Last evaluated: 2025-01-01. Review status: criteria provided, single submitter. Criteria: CeGaT Center For Human Genetics Tuebingen Variant Classification Criteria Version 2. Collection method: clinical testing. Allele origin: germline. Affected: yes. Observed: 1 variant allele.
Comment: CEP290: BP4, BP7

PreventionGenetics, part of Exact Sciences
Classification: Likely benign for CEP290-related condition. Last evaluated: 2022-11-02. Review status: no assertion criteria provided. Collection method: clinical testing. Allele origin: germline. Not counted in ClinVar's aggregate classification.
Comment: This variant is classified as likely benign based on ACMG/AMP sequence variant interpretation guidelines (Richards et al. 2015 PMID: 25741868, with internal and published modifications).

Richard Lifton Laboratory, Yale University School of Medicine
Classification: Uncertain significance. Review status: no assertion criteria provided. Collection method: not provided. Allele origin: somatic. Not counted in ClinVar's aggregate classification.
Comment: CEP290:p.T368T
ClinVar note: Converted during submission from unknown to Uncertain significance.

Richard Lifton Laboratory, Yale University School of Medicine
Classification: Uncertain significance. Review status: flagged submission. Collection method: not provided. Allele origin: somatic. Not counted in ClinVar's aggregate classification.
ClinVar note: Converted during submission from unknown to Uncertain significance.
ClinVar note: Reason: This record appears to be redundant with a more recent record from the same submitter.
ClinVar note: Notes: SCV000120103 appears to be redundant with SCV000155207.

NM_025114.4(CEP290):c.1104C>T (p.Thr368=)

Gene: CEP290 (centrosomal protein 290; minus strand). Cytogenetic location: 12q21.32.
Variant type: single nucleotide variant.
Coding change: c.1104C>T on transcript NM_025114.4 (MANE Select); coding-DNA position 1104, C replaced by T.
Protein change: p.Thr368=; no amino-acid change (threonine 368 retained).
Molecular consequence: synonymous variant.
Genome position (GRCh38, 1-based): chr12:88,125,331, G>A on the plus strand (C>T on the coding strand, the complement: CEP290 is on the minus strand). VCF-style: chr12-88125331-G-A. GRCh37 (hg19) VCF-style: chr12-88519108-G-A.
Identifiers: ClinVar variation 100878 (VCV000100878.28), dbSNP rs483352755, ClinGen allele CA229183.